The following is an entry in ClinVar:

ClinVar aggregate classification (germline): Likely benign. Review status: criteria provided, multiple submitters, no conflicts (2 of 4 stars). 2 submissions from 2 submitters: Likely benign (2). Last evaluated 2026-06-18.

Conditions:
Retinoblastoma (RB1). Also called: RETINOBLASTOMA, SOMATIC. Identifiers: Orphanet 790, MedGen C0035335, MeSH D012175, MONDO:0008380, OMIM 180200, HP:0009919. Disease mechanism: loss of function. Inheritance: Both sporadic and heritable forms are tested..

Allele frequency attached by ClinVar (database versions not stated): gnomAD exomes below 0.00001 and 0.00002; gnomAD 0.00001.
gnomAD v4.1: 37 of 1,610,292 alleles (0.0023%); highest among the groups gnomAD compares: Non-Finnish European, 0.0029%; no homozygotes.

Submissions (2):

Myriad Genetics, Inc.
Classification: Likely benign for Retinoblastoma. Last evaluated: 2026-06-18. Review status: criteria provided, single submitter. Criteria: Myriad Autosomal Dominant, Autosomal Recessive and X-Linked Classification Criteria (2023). Collection method: clinical testing. Allele origin: unknown.
Comment: This variant is considered likely benign. This variant is intronic and is not expected to impact mRNA splicing.

Labcorp Genetics (formerly Invitae), Labcorp
Classification: Likely benign for Retinoblastoma. Last evaluated: 2026-01-11. Review status: criteria provided, single submitter. Criteria: Invitae Variant Classification Sherloc (09022015). Collection method: clinical testing. Allele origin: germline.

NM_000321.3(RB1):c.1333-16T>C

Gene: RB1 (RB transcriptional corepressor 1; plus strand). Cytogenetic location: 13q14.2.
Variant type: single nucleotide variant.
Coding change: c.1333-16T>C on transcript NM_000321.3 (MANE Select); 16 bases into the intron before coding-DNA position 1333, T replaced by C.
Molecular consequence: intron variant.
Genome position (GRCh38, 1-based): chr13:48,379,578, T>C. VCF-style: chr13-48379578-T-C. GRCh37 (hg19) VCF-style: chr13-48953714-T-C.
Identifiers: ClinVar variation 1567603 (VCV001567603.9), dbSNP rs1473909228, ClinGen allele CA609577839.
Genomic context (GRCh38, chr13:48,379,578, plus strand): 5'-TCAAAAAAAAAAAAAATTTCATAATTGTGATTTTCTAAAATAGCAGGCTCTTATTTTTCT[T>C]TTTGTTTGTTTGTAGCGATACAAACTTGGAGTTCGCTTGTATTACCGAGTAATGGAATCC-3'